The following is an entry in ClinVar:

NM_017617.5(NOTCH1):c.7532C>A (p.Thr2511Asn)

Gene: NOTCH1 (notch receptor 1; minus strand). Cytogenetic location: 9q34.3.
Variant type: single nucleotide variant.
Coding change: c.7532C>A on transcript NM_017617.5 (MANE Select); coding-DNA position 7532, C replaced by A.
Protein change: p.Thr2511Asn; replaces threonine 2511 with asparagine.
Molecular consequence: missense variant.
Genome position (GRCh38, 1-based): chr9:136,496,207, G>T on the plus strand (C>A on the coding strand, the complement: NOTCH1 is on the minus strand). VCF-style: chr9-136496207-G-T. GRCh37 (hg19) VCF-style: chr9-139390659-G-T.
Other names: short protein forms T2511N.
Identifiers: ClinVar variation 2003218 (VCV002003218.4), dbSNP rs2133314336, ClinGen allele CA375626000.

ClinVar aggregate classification (germline): Uncertain significance (1 of 4 stars; one submission).

Conditions:
Adams-Oliver syndrome 5 (AOS5). Identifiers: Orphanet 974, MedGen C4014970, MONDO:0014459, OMIM 616028.

Allele frequency attached by ClinVar (database versions not stated): gnomAD exomes below 0.00001.
gnomAD v4.1: 1 of 1,609,674 alleles (0.000062%); no homozygotes.

Submission:

Labcorp Genetics (formerly Invitae), Labcorp
Classification: Uncertain significance for Adams-Oliver syndrome 5. Last evaluated: 2022-06-08. Review status: criteria provided, single submitter. Criteria: Invitae Variant Classification Sherloc (09022015). Collection method: clinical testing. Allele origin: germline.
Comment: Advanced modeling of protein sequence and biophysical properties (such as structural, functional, and spatial information, amino acid conservation, physicochemical variation, residue mobility, and thermodynamic stability) performed at Invitae indicates that this missense variant is not expected to disrupt NOTCH1 protein function. In summary, the available evidence is currently insufficient to determine the role of this variant in disease. Therefore, it has been classified as a Variant of Uncertain Significance. This variant has not been reported in the literature in individuals affected with NOTCH1-related conditions. This variant is not present in population databases (gnomAD no frequency). This sequence change replaces threonine, which is neutral and polar, with asparagine, which is neutral and polar, at codon 2511 of the NOTCH1 protein (p.Thr2511Asn).